The following is an entry in ClinVar:

NM_024675.4(PALB2):c.1485del (p.Asp496fs)

Gene: PALB2 (partner and localizer of BRCA2; minus strand). Cytogenetic location: 16p12.2.
Variant type: Deletion.
Coding change: c.1485del on transcript NM_024675.4 (MANE Select); coding-DNA position 1485, one base deleted (A; older notation c.1485delA).
Protein change: p.Asp496fs; shifts the reading frame from aspartic acid 496.
Molecular consequence: frameshift variant.
Genome position (GRCh38, 1-based): chr16:23,635,061, T deleted on the plus strand (A on the coding strand, the reverse complement: PALB2 is on the minus strand); the first of 2 consecutive T bases (chr16:23,635,061-23,635,062); deleting either gives the same sequence. VCF-style (leftmost placement, unchanged base first): chr16-23635060-CT-C. GRCh37 (hg19) VCF-style: chr16-23646381-CT-C.
Other names: c.1485delA (NM_024675.3); short protein forms D496fs.
Identifiers: ClinVar variation 487433 (VCV000487433.16), dbSNP rs1555461256, ClinGen allele CA658658422.

ClinVar aggregate classification (germline): Pathogenic/Likely pathogenic. Review status: criteria provided, multiple submitters, no conflicts (2 of 4 stars). 5 submissions from 5 submitters: Pathogenic (3); Likely pathogenic (1). 1 of the submissions does not count toward it. Last evaluated 2025-03-24.

Conditions:
Hereditary cancer-predisposing syndrome. Also called: Tumor predisposition; Hereditary Cancer Syndrome; Hereditary neoplastic syndrome; Neoplastic Syndromes, Hereditary. Identifiers: Orphanet 140162, MedGen C0027672, MeSH D009386, MONDO:0015356.
Familial cancer of breast. Also called: hereditary breast carcinoma; BREAST CANCER, FAMILIAL; Hereditary breast cancer. Identifiers: Orphanet 227535, MedGen C0346153, MONDO:0016419, OMIM 114480. Disease mechanism: loss of function.

Submissions (5):

Ambry Genetics
Classification: Pathogenic for Hereditary cancer-predisposing syndrome. Last evaluated: 2025-03-24. Review status: criteria provided, single submitter. Criteria: Ambry Variant Classification Scheme 2023. Collection method: clinical testing. Allele origin: germline.
Comment: The c.1485delA pathogenic mutation, located in coding exon 4 of the PALB2 gene, results from a deletion of one nucleotide at nucleotide position 1485, causing a translational frameshift with a predicted alternate stop codon (p.D496Ifs*65). This variant is considered to be rare based on population cohorts in the Genome Aggregation Database (gnomAD). This alteration is expected to result in loss of function by premature protein truncation or nonsense-mediated mRNA decay. As such, this alteration is interpreted as a disease-causing mutation.

Labcorp Genetics (formerly Invitae), Labcorp
Classification: Pathogenic for Familial cancer of breast. Last evaluated: 2024-11-20. Review status: criteria provided, single submitter. Criteria: Invitae Variant Classification Sherloc (09022015). Collection method: clinical testing. Allele origin: germline.
Comment: This sequence change creates a premature translational stop signal (p.Asp496Ilefs*65) in the PALB2 gene. It is expected to result in an absent or disrupted protein product. Loss-of-function variants in PALB2 are known to be pathogenic (PMID: 17200668, 17200671, 17200672, 24136930, 25099575). This variant is not present in population databases (gnomAD no frequency). This variant has not been reported in the literature in individuals affected with PALB2-related conditions. ClinVar contains an entry for this variant (Variation ID: 487433). For these reasons, this variant has been classified as Pathogenic.

Myriad Genetics, Inc.
Classification: Pathogenic for Familial cancer of breast. Last evaluated: 2023-03-30. Review status: criteria provided, single submitter. Criteria: Myriad Autosomal Dominant, Autosomal Recessive and X-Linked Classification Criteria (2023). Collection method: clinical testing. Allele origin: unknown.
Comment: This variant is considered pathogenic. This variant creates a frameshift predicted to result in premature protein truncation.

Baylor Genetics
Classification: Likely pathogenic for Familial cancer of breast. Last evaluated: 2022-07-22. Review status: criteria provided, single submitter. Criteria: ACMG Guidelines, 2015. Collection method: clinical testing. Allele origin: unknown.

Counsyl
Classification: Likely pathogenic for Familial cancer of breast. Last evaluated: 2017-04-14. Review status: no assertion criteria provided. Collection method: clinical testing. Allele origin: unknown. Not counted in ClinVar's aggregate classification.

Literature cited by the submitters: PubMed 17200668 (cited by Labcorp Genetics (formerly Invitae), Labcorp); PubMed 17200671 (cited by Labcorp Genetics (formerly Invitae), Labcorp); PubMed 17200672 (cited by Labcorp Genetics (formerly Invitae), Labcorp); PubMed 24136930 (cited by Labcorp Genetics (formerly Invitae), Labcorp); PubMed 25099575 (cited by Labcorp Genetics (formerly Invitae), Labcorp).